The following is an entry in ClinVar:

ClinVar aggregate classification (germline): Conflicting classifications of pathogenicity. Review status: criteria provided, conflicting classifications (1 of 4 stars). 7 submissions from 4 submitters: Uncertain significance (2); Benign (3); Likely benign (2). Last evaluated 2025-09-29.

Conditions:
Sensory ataxic neuropathy, dysarthria, and ophthalmoparesis (SANDO). Also called: Ataxia Neuropathy Spectrum (ANS); Epilepsy, progressive myoclonic, type 5; SENSORY ATAXIC NEUROPATHY WITH MITOCHONDRIAL DNA DELETIONS, AUTOSOMAL RECESSIVE; Sensory ataxic neuropathy-dysarthria-ophthalmoparesis syndrome. Identifiers: Orphanet 70595, MedGen C1843851, MONDO:0011835, OMIM 607459.
Progressive external ophthalmoplegia with mitochondrial DNA deletions, autosomal dominant 3. Also called: PROGRESSIVE EXTERNAL OPHTHALMOPLEGIA, AUTOSOMAL DOMINANT 3. Identifiers: MedGen C1836439, MONDO:0012241, OMIM 609286.
Infantile onset spinocerebellar ataxia (MTDPS7). Also called: OHAHA SYNDROME; Mitochondrial DNA depletion syndrome 7 (hepatocerebral type); SPINOCEREBELLAR ATAXIA, INFANTILE, WITH SENSORY NEUROPATHY; OPHTHALMOPLEGIA, HYPOTONIA, ATAXIA, HYPOACUSIS, AND ATHETOSIS. Identifiers: Orphanet 1186, MedGen C1849096, MONDO:0010060, OMIM 271245.
Autosomal recessive cerebellar ataxia. Also called: Spinocerebellar Ataxia, Recessive; Spinocerebellar ataxia, autosomal recessive. Identifiers: Orphanet 1172, MedGen C5575375, MONDO:0015244.
TWNK-related disorder. Also called: TWNK-related condition.

Allele frequency attached by ClinVar (database versions not stated): TOPMed 0.00002; gnomAD exomes 0.00024 and 0.00041; ExAC 0.00049; 1000 Genomes Project 0.00100; 1000 Genomes Project 30x 0.00109.

Submissions (7):

Labcorp Genetics (formerly Invitae), Labcorp
Classification: Benign. Last evaluated: 2025-09-29. Review status: criteria provided, single submitter. Criteria: Invitae Variant Classification Sherloc (09022015). Collection method: clinical testing. Allele origin: germline.

PreventionGenetics, part of Exact Sciences
Classification: Likely benign for TWNK-related condition. Last evaluated: 2025-07-29. Review status: criteria provided, single submitter. Criteria: ACMG Guidelines, 2015. Collection method: clinical testing. Allele origin: germline.
Comment: This variant is classified as likely benign based on ACMG/AMP sequence variant interpretation guidelines (Richards et al. 2015 PMID: 25741868, with internal and published modifications).

Mayo Clinic Laboratories, Mayo Clinic
Classification: Uncertain significance. Last evaluated: 2022-08-29. Review status: criteria provided, single submitter. Criteria: ACMG Guidelines, 2015. Collection method: clinical testing. Allele origin: germline. Observed: 2 variant alleles.

Illumina Laboratory Services, Illumina
Classification: Benign for Sensory ataxic neuropathy-dysarthria-ophthalmoparesis syndrome. Last evaluated: 2018-01-12. Review status: criteria provided, single submitter. Criteria: ICSL Variant Classification Criteria 13 December 2019. Collection method: clinical testing. Allele origin: germline.
Comment: This variant was observed in the ICSL laboratory as part of a predisposition screen in an ostensibly healthy population. It had not been previously curated by ICSL or reported in the Human Gene Mutation Database (HGMD: prior to June 1st, 2018), and was therefore a candidate for classification through an automated scoring system. Utilizing variant allele frequency, disease prevalence and penetrance estimates, and inheritance mode, an automated score was calculated to assess if this variant is too frequent to cause the disease. Based on the score and internal cut-off values, a variant classified as benign is not then subjected to further curation. The score for this variant resulted in a classification of benign for this disease.

Illumina Laboratory Services, Illumina
Classification: Uncertain significance for Autosomal recessive cerebellar ataxia. Last evaluated: 2018-01-12. Review status: criteria provided, single submitter. Criteria: ICSL Variant Classification Criteria 13 December 2019. Collection method: clinical testing. Allele origin: germline.

Illumina Laboratory Services, Illumina
Classification: Benign for Progressive external ophthalmoplegia with mitochondrial DNA deletions, autosomal dominant 3. Last evaluated: 2018-01-12. Review status: criteria provided, single submitter. Criteria: ICSL Variant Classification Criteria 13 December 2019. Collection method: clinical testing. Allele origin: germline.
Comment: the same text as in the submission from Illumina Laboratory Services, Illumina above.

Illumina Laboratory Services, Illumina
Classification: Likely benign for Infantile onset spinocerebellar ataxia. Last evaluated: 2018-01-12. Review status: criteria provided, single submitter. Criteria: ICSL Variant Classification Criteria 13 December 2019. Collection method: clinical testing. Allele origin: germline.
Comment: This variant was observed in the ICSL laboratory as part of a predisposition screen in an ostensibly healthy population. It had not been previously curated by ICSL or reported in the Human Gene Mutation Database (HGMD: prior to June 1st, 2018), and was therefore a candidate for classification through an automated scoring system. Utilizing variant allele frequency, disease prevalence and penetrance estimates, and inheritance mode, an automated score was calculated to assess if this variant is too frequent to cause the disease. Based on the score and internal cut-off values, a variant classified as likely benign is not then subjected to further curation. The score for this variant resulted in a classification of likely benign for this disease.

NM_021830.5(TWNK):c.76G>A (p.Gly26Ser)

Gene: TWNK (twinkle mtDNA helicase; plus strand). Cytogenetic location: 10q24.31.
Variant type: single nucleotide variant.
Coding change: c.76G>A on transcript NM_021830.5 (MANE Select); coding-DNA position 76, G replaced by A.
Protein change: p.Gly26Ser; replaces glycine 26 with serine.
Molecular consequence: missense variant. On other transcripts: non-coding transcript variant (4), intron variant (3).
Genome position (GRCh38, 1-based): chr10:100,988,286, G>A. VCF-style: chr10-100988286-G-A. GRCh37 (hg19) VCF-style: chr10-102748043-G-A.
Other names: p.Gly26Ser; c.76G>A, p.Gly26Ser (NM_001163812.2); c.-120+673G>A (NM_001163814.2, NM_001163813.2); c.-58+673G>A (NM_001368275.1); short protein forms G26S.
Identifiers: ClinVar variation 298494 (VCV000298494.19), dbSNP rs577209883, ClinGen allele CA5653019.